The following is an entry in ClinVar:

ClinVar aggregate classification (germline): Uncertain significance (1 of 4 stars; one submission).

Submission:

Labcorp Genetics (formerly Invitae), Labcorp
Classification: Uncertain significance. Last evaluated: 2023-03-20. Review status: criteria provided, single submitter. Criteria: Invitae Variant Classification Sherloc (09022015). Collection method: clinical testing. Allele origin: germline.
Comment: In summary, the available evidence is currently insufficient to determine the role of this variant in disease. Therefore, it has been classified as a Variant of Uncertain Significance. This variant has not been reported in the literature in individuals affected with FBN3-related conditions. This sequence change creates a premature translational stop signal (p.Arg609Profs*57) in the FBN3 gene. It is expected to result in an absent or disrupted protein product. However, the current clinical and genetic evidence is not sufficient to establish whether loss-of-function variants in FBN3 cause disease. This variant is not present in population databases (gnomAD no frequency).

NM_032447.5(FBN3):c.1825dup (p.Arg609fs)

Gene: FBN3 (fibrillin 3; minus strand). Cytogenetic location: 19p13.2.
Variant type: Duplication.
Coding change: c.1825dup on transcript NM_032447.5 (MANE Select); coding-DNA position 1825, one base duplicated (C; older notation c.1825dupC).
Protein change: p.Arg609fs; shifts the reading frame from arginine 609.
Molecular consequence: frameshift variant.
Genome position (GRCh38, 1-based): chr19:8,131,719, G duplicated on the plus strand (C on the coding strand, the reverse complement: FBN3 is on the minus strand); the first of 2 consecutive G bases (chr19:8,131,719-8,131,720); duplicating either gives the same sequence. VCF-style (leftmost placement, unchanged base first): chr19-8131718-C-CG. GRCh37 (hg19) VCF-style: chr19-8196602-C-CG.
Other names: c.1825dup, p.Arg609fs (NM_001321431.2); short protein forms R609fs.
Identifiers: ClinVar variation 2838408 (VCV002838408.3), dbSNP rs2512930181, ClinGen allele CA2739276420.